The following is an entry in ClinVar:

NM_001384474.1(LOXHD1):c.3832T>C (p.Trp1278Arg)

Gene: LOXHD1 (lipoxygenase homology PLAT domains 1; minus strand). Cytogenetic location: 18q21.1.
Variant type: single nucleotide variant.
Coding change: c.3832T>C on transcript NM_001384474.1 (MANE Select); coding-DNA position 3832, T replaced by C.
Protein change: p.Trp1278Arg; replaces tryptophan 1278 with arginine.
Molecular consequence: missense variant.
Genome position (GRCh38, 1-based): chr18:46,541,857, A>G on the plus strand (T>C on the coding strand, the complement: LOXHD1 is on the minus strand). VCF-style: chr18-46541857-A-G. GRCh37 (hg19) VCF-style: chr18-44121820-A-G.
Other names: c.499T>C, p.Trp167Arg (NM_001145472.3); c.211T>C, p.Trp71Arg (NM_001308013.2); c.3832T>C, p.Trp1278Arg (NM_144612.7); short protein forms W167R, W71R, W1278R.
Identifiers: ClinVar variation 2900183 (VCV002900183.3), dbSNP rs769535364, ClinGen allele CA8952429.

ClinVar aggregate classification (germline): Uncertain significance (1 of 4 stars; one submission).

Allele frequency attached by ClinVar (database versions not stated): gnomAD exomes below 0.00001; TOPMed below 0.00001; ExAC 0.00004.
gnomAD v4.1: 6 of 1,551,754 alleles (0.00039%); highest among the groups gnomAD compares: Non-Finnish European, 0.00052%; no homozygotes.

Submission:

Labcorp Genetics (formerly Invitae), Labcorp
Classification: Uncertain significance. Last evaluated: 2023-01-11. Review status: criteria provided, single submitter. Criteria: Invitae Variant Classification Sherloc (09022015). Collection method: clinical testing. Allele origin: germline.
Comment: This sequence change replaces tryptophan, which is neutral and slightly polar, with arginine, which is basic and polar, at codon 1278 of the LOXHD1 protein (p.Trp1278Arg). This variant is present in population databases (rs769535364, gnomAD 0.003%). This variant has not been reported in the literature in individuals affected with LOXHD1-related conditions. Algorithms developed to predict the effect of missense changes on protein structure and function (SIFT, PolyPhen-2, Align-GVGD) all suggest that this variant is likely to be disruptive. In summary, the available evidence is currently insufficient to determine the role of this variant in disease. Therefore, it has been classified as a Variant of Uncertain Significance.